The following is an entry in ClinVar:

NM_015978.3(TNNI3K):c.1855G>A (p.Asp619Asn)

Genes: FPGT-TNNI3K (FPGT-TNNI3K readthrough; plus strand), TNNI3K (TNNI3 interacting kinase; plus strand). Cytogenetic location: 1p31.1.
Variant type: single nucleotide variant.
Coding change: c.1855G>A on transcript NM_015978.3 (MANE Select); coding-DNA position 1855, G replaced by A.
Protein change: p.Asp619Asn; replaces aspartic acid 619 with asparagine.
Molecular consequence: missense variant.
Genome position (GRCh38, 1-based): chr1:74,436,503, G>A. VCF-style: chr1-74436503-G-A. GRCh37 (hg19) VCF-style: chr1-74902187-G-A.
Other names: c.2197G>A (NM_001112808.2); c.2158G>A, p.Asp720Asn (NM_001112808.3, NM_001199327.2); short protein forms D619N, D720N.
Identifiers: ClinVar variation 2913668 (VCV002913668.4), dbSNP rs761647942, ClinGen allele CA909466.

ClinVar aggregate classification (germline): Uncertain significance. Review status: criteria provided, multiple submitters, no conflicts (2 of 4 stars). 2 submissions from 2 submitters: Uncertain significance (2). Last evaluated 2024-12-10.

Allele frequency attached by ClinVar (database versions not stated): gnomAD 0.00001; TOPMed 0.00001; gnomAD exomes 0.00003; ExAC 0.00004.
gnomAD v4.1: 45 of 1,586,532 alleles (0.0028%); highest among the groups gnomAD compares: Non-Finnish European, 0.0038%; no homozygotes.

Submissions (2):

Ambry Genetics
Classification: Uncertain significance. Last evaluated: 2024-12-10. Review status: criteria provided, single submitter. Criteria: Ambry Variant Classification Scheme 2023. Collection method: clinical testing. Allele origin: germline.

Labcorp Genetics (formerly Invitae), Labcorp
Classification: Uncertain significance. Last evaluated: 2024-03-24. Review status: criteria provided, single submitter. Criteria: Invitae Variant Classification Sherloc (09022015). Collection method: clinical testing. Allele origin: germline.
Comment: This sequence change replaces aspartic acid, which is acidic and polar, with asparagine, which is neutral and polar, at codon 619 of the TNNI3K protein (p.Asp619Asn). This variant is present in population databases (rs761647942, gnomAD 0.006%). This variant has not been reported in the literature in individuals affected with TNNI3K-related conditions. An algorithm developed to predict the effect of missense changes on protein structure and function (PolyPhen-2) suggests that this variant is likely to be disruptive. In summary, the available evidence is currently insufficient to determine the role of this variant in disease. Therefore, it has been classified as a Variant of Uncertain Significance.